The following is an entry in ClinVar:

NM_001127222.2(CACNA1A):c.6775C>A (p.Arg2259=)

Genes: CACNA1A (calcium voltage-gated channel subunit alpha1 A; minus strand), LOC130063717 (ATAC-STARR-seq lymphoblastoid silent region 10203; plus strand). Cytogenetic location: 19p13.13.
Variant type: single nucleotide variant.
Coding change: c.6775C>A on transcript NM_001127222.2 (MANE Select); coding-DNA position 6775, C replaced by A.
Protein change: p.Arg2259=; no amino-acid change (arginine 2259 retained).
Molecular consequence: synonymous variant.
Genome position (GRCh38, 1-based): chr19:13,208,761, G>T on the plus strand (C>A on the coding strand, the complement: CACNA1A is on the minus strand). VCF-style: chr19-13208761-G-T. GRCh37 (hg19) VCF-style: chr19-13319575-G-T.
Other names: c.6793C>A, p.Arg2265= (NM_000068.4, NM_023035.3); c.6778C>A, p.Arg2260= (NM_001127221.2); c.6784C>A, p.Arg2262= (NM_001174080.2).
Identifiers: ClinVar variation 476275 (VCV000476275.51), dbSNP rs750267834, ClinGen allele CA9239265.
Genomic context (GRCh38, chr19:13,208,761, plus strand): 5'-CTCCTCCCCGCCTCCCGGCCGAGCCCAGCCTGGGGTCACTTGCAGCCGCACCCACCTGCC[G>T]GTGCGCCATGTGCTCTCGGCCCTCGCTGGGCGAGCGGGACCAGCGCTGGTCCCGAGCCCG-3'
Protein context (NP_001120694.1, residues 2249-2269): PSEGREHMAH[Arg2259=]QGSSSVSGSP

ClinVar aggregate classification (germline): Likely benign. Review status: criteria provided, multiple submitters, no conflicts (2 of 4 stars). 5 submissions from 5 submitters: Likely benign (5). Last evaluated 2026-06-03.

Conditions:
Episodic ataxia type 2 (EA2). Also called: ACETAZOLAMIDE-RESPONSIVE HEREDITARY PAROXYSMAL CEREBELLAR ATAXIA; ATAXIA, EPISODIC, WITH NYSTAGMUS; ATAXIA, FAMILIAL PAROXYSMAL; CEREBELLAR ATAXIA, PAROXYSMAL, ACETAZOLAMIDE-RESPONSIVE; CEREBELLOPATHY, HEREDITARY PAROXYSMAL; EPISODIC ATAXIA, NYSTAGMUS-ASSOCIATED. Identifiers: Orphanet 97, MedGen C1720416, MONDO:0007163, OMIM 108500.
Developmental and epileptic encephalopathy, 42 (DEE42A). Also called: Epileptic encephalopathy, early infantile, 42; DEVELOPMENTAL AND EPILEPTIC ENCEPHALOPATHY 42A; EPILEPTIC ENCEPHALOPATHY, EARLY INFANTILE, 42A. Identifiers: MedGen C4310716, MONDO:0014917, OMIM 617106.
Inborn genetic diseases. Identifiers: MedGen C0950123, MeSH D030342.

Allele frequency attached by ClinVar (database versions not stated): TOPMed 0.00002.
gnomAD v4.1: 59 of 1,574,616 alleles (0.0037%); highest among the groups gnomAD compares: Non-Finnish European, 0.0048%; no homozygotes.

Submissions (5):

Ambry Genetics
Classification: Likely benign for Inborn genetic diseases. Last evaluated: 2026-06-03. Review status: criteria provided, single submitter. Criteria: Ambry Variant Classification Scheme 2023. Collection method: clinical testing. Allele origin: germline.

Blueprint Genetics
Classification: Likely benign. Last evaluated: 2024-06-05. Review status: criteria provided, single submitter. Criteria: ACMG Guidelines, 2015. Collection method: clinical testing. Allele origin: germline.

Labcorp Genetics (formerly Invitae), Labcorp
Classification: Likely benign for Developmental and epileptic encephalopathy, 42; Episodic ataxia type 2. Last evaluated: 2023-08-23. Review status: criteria provided, single submitter. Criteria: Invitae Variant Classification Sherloc (09022015). Collection method: clinical testing. Allele origin: germline.

CeGaT Center for Human Genetics Tuebingen
Classification: Likely benign. Last evaluated: 2020-04-01. Review status: criteria provided, single submitter. Criteria: CeGaT Center For Human Genetics Tuebingen Variant Classification Criteria Version 2. Collection method: clinical testing. Allele origin: germline. Affected: yes. Observed: 1 variant allele.

GeneDx
Classification: Likely benign. Last evaluated: 2017-11-20. Review status: criteria provided, single submitter. Criteria: GeneDx Variant Classification (06012015). Collection method: clinical testing. Allele origin: germline. Affected: yes.
Comment: This variant is considered likely benign or benign based on one or more of the following criteria: it is a conservative change, it occurs at a poorly conserved position in the protein, it is predicted to be benign by multiple in silico algorithms, and/or has population frequency not consistent with disease.